The following is an entry in ClinVar:

NM_003482.4(KMT2D):c.13652_13660del (p.Leu4551_Gln4554delinsTer)

Gene: KMT2D (lysine methyltransferase 2D; minus strand). Cytogenetic location: 12q13.12.
Variant type: Deletion.
Coding change: c.13652_13660del on transcript NM_003482.4 (MANE Select); coding-DNA positions 13652 to 13660, 9 bases deleted (TGCTGAAAC; older notation c.13652_13660delTGCTGAAAC).
Protein change: p.Leu4551_Gln4554delinsTer.
Molecular consequence: nonsense.
Genome position (GRCh38, 1-based): chr12:49,030,904-49,030,912, GTTTCAGCA deleted on the plus strand (TGCTGAAAC on the coding strand, the reverse complement: KMT2D is on the minus strand). VCF-style (leftmost placement, unchanged base first): chr12-49030903-TGTTTCAGCA-T. GRCh37 (hg19) VCF-style: chr12-49424686-TGTTTCAGCA-T.
Other names: c.13652_13660delTGCTGAAAC (NM_003482.3).
Identifiers: ClinVar variation 423216 (VCV000423216.2), dbSNP rs1064796300, ClinGen allele CA16619534.

ClinVar aggregate classification (germline): Pathogenic (1 of 4 stars; one submission).

Submission:

GeneDx
Classification: Pathogenic. Last evaluated: 2017-02-11. Review status: criteria provided, single submitter. Criteria: GeneDx Variant Classification (06012015). Collection method: clinical testing. Allele origin: germline. Affected: yes.
Comment: The c.13652_13660delTGCTGAAAC variant in the KMT2D gene has not been reported previously as a pathogenic variant nor as a benign variant, to our knowledge. The c.13652_13660delTGCTGAAAC variant changes codon Leucine 4551 to a premature Stop codon, denoted p.Leu4551Ter. This variant is predicted to cause loss of normal protein function either through protein truncation or nonsense-mediated mRNA decay. The c.13652_13660delTGCTGAAAC variant is not observed in large population cohorts (Lek et al., 2016; 1000 Genomes Consortium et al., 2015; Exome Variant Server). We interpret c.13652_13660delTGCTGAAAC as a pathogenic variant, consistent with the clinical features reported in this individual.